The following is an entry in ClinVar:

NM_000540.3(RYR1):c.6909_6919del (p.Gly2304fs)

Gene: RYR1 (ryanodine receptor 1; plus strand). Cytogenetic location: 19q13.2.
Variant type: Deletion.
Coding change: c.6909_6919del on transcript NM_000540.3 (MANE Select); coding-DNA positions 6909 to 6919, 11 bases deleted (AGGCTGTGGCC).
Protein change: p.Gly2304fs; shifts the reading frame from glycine 2304.
Molecular consequence: frameshift variant.
Genome position (GRCh38, 1-based): chr19:38,499,125-38,499,135, AGGCTGTGGCC deleted; deleting any 11 consecutive bases within chr19:38,499,124-38,499,135 gives the same sequence; the c. name uses the placement nearest the transcript's 3' end. VCF-style (leftmost placement, unchanged base first): chr19-38499123-GCAGGCTGTGGC-G. GRCh37 (hg19) VCF-style: chr19-38989763-GCAGGCTGTGGC-G.
Other names: p.Gly2304Profs*55; c.6909_6919del, p.Gly2304fs (NM_001042723.2); short protein forms G2304fs.
Identifiers: ClinVar variation 4542340 (VCV004542340.1).
Genomic context (GRCh38, chr19:38,499,123, plus strand): 5'-AGGTGGCATGGGTCTGGTCTCTGACTGAGCCCCTTCTGCCCCCAGGTTGTGTCCTACCTG[GCAGGCTGTGGC>G]CTCCAGAGCTGCCCCATGCTTGTGGCCAAAGGGTACCCAGACATTGGCTGGAACCCCTGT-3'

ClinVar aggregate classification (germline): Likely pathogenic (1 of 4 stars; one submission).

Submission:

Mayo Clinic Laboratories, Mayo Clinic
Classification: Likely pathogenic. Last evaluated: 2025-04-11. Review status: criteria provided, single submitter. Criteria: ACMG Guidelines, 2015. Collection method: clinical testing. Allele origin: germline. Observed: 1 variant allele.
Comment: PM2_supporting, PVS1